The following is an entry in ClinVar:

NM_006147.4(IRF6):c.668-2A>G

Gene: IRF6 (interferon regulatory factor 6; minus strand). Cytogenetic location: 1q32.2.
Variant type: single nucleotide variant.
Coding change: c.668-2A>G on transcript NM_006147.4 (MANE Select); the canonical splice acceptor site of the intron before coding-DNA position 668, A replaced by G.
Molecular consequence: splice acceptor variant.
Genome position (GRCh38, 1-based): chr1:209,790,889, T>C on the plus strand (A>G on the coding strand, the complement: IRF6 is on the minus strand). VCF-style: chr1-209790889-T-C. GRCh37 (hg19) VCF-style: chr1-209964234-T-C.
Other names: c.383-2A>G (NM_001206696.2).
Identifiers: ClinVar variation 3356303 (VCV003356303.1).

ClinVar aggregate classification (germline): Pathogenic (0 of 4 stars; one submission).

Conditions:
IRF6-related condition. Also called: IRF6-related disorder; IRF6-Related Disorders. Identifiers: MedGen CN378148, MONDO:1040010.

Submission:

PreventionGenetics, part of Exact Sciences
Classification: Pathogenic for IRF6-related condition. Last evaluated: 2024-09-16. Review status: no assertion criteria provided. Collection method: clinical testing. Allele origin: germline.
Comment: The IRF6 c.668-2A>G variant is predicted to disrupt the AG splice acceptor site and interfere with normal splicing. This variant has been reported in a newborn with Pierre Robin Sequence and a family history of lip pits and orofacial clefting/Van der Woude Syndrome (Robbins et al. 2019. PubMed ID: 29708799). This variant has not been reported in a large population database, indicating this variant is rare. Variants that disrupt the consensus splice acceptor site in IRF6 are expected to be pathogenic. This variant is interpreted as pathogenic.